The following is an entry in ClinVar:

NM_001369268.1(ACAN):c.1447C>T (p.Arg483Cys)

Gene: ACAN (aggrecan; plus strand). Cytogenetic location: 15q26.1.
Variant type: single nucleotide variant.
Coding change: c.1447C>T on transcript NM_001369268.1 (MANE Select); coding-DNA position 1447, C replaced by T.
Protein change: p.Arg483Cys; replaces arginine 483 with cysteine.
Molecular consequence: missense variant.
Genome position (GRCh38, 1-based): chr15:88,847,260, C>T. VCF-style: chr15-88847260-C-T. GRCh37 (hg19) VCF-style: chr15-89390491-C-T.
Other names: c.1447C>T, p.Arg483Cys (NM_001135.4, NM_013227.4); short protein forms R483C.
Identifiers: ClinVar variation 1449203 (VCV001449203.10), dbSNP rs780424423, ClinGen allele CA7719559.

ClinVar aggregate classification (germline): Uncertain significance. Review status: criteria provided, multiple submitters, no conflicts (2 of 4 stars). 2 submissions from 2 submitters: Uncertain significance (2). Last evaluated 2025-06-04.

Conditions:
Osteochondritis dissecans. Identifiers: Orphanet 251262, Orphanet 2764, MedGen C0029421, MONDO:0017178, HP:0010886.

Allele frequency attached by ClinVar (database versions not stated): gnomAD exomes 0.00001; TOPMed 0.00005; gnomAD 0.00007.
gnomAD v4.1: 86 of 1,554,436 alleles (0.0055%); highest among the groups gnomAD compares: Non-Finnish European, 0.0067%; no homozygotes.

Submissions (2):

Labcorp Genetics (formerly Invitae), Labcorp
Classification: Uncertain significance. Last evaluated: 2025-06-04. Review status: criteria provided, single submitter. Criteria: Invitae Variant Classification Sherloc (09022015). Collection method: clinical testing. Allele origin: germline.
Comment: This sequence change replaces arginine, which is basic and polar, with cysteine, which is neutral and slightly polar, at codon 483 of the ACAN protein (p.Arg483Cys). This variant is present in population databases (rs780424423, gnomAD 0.003%). This variant has not been reported in the literature in individuals affected with ACAN-related conditions. ClinVar contains an entry for this variant (Variation ID: 1449203). Invitae Evidence Modeling of protein sequence and biophysical properties (such as structural, functional, and spatial information, amino acid conservation, physicochemical variation, residue mobility, and thermodynamic stability) indicates that this missense variant is not expected to disrupt ACAN protein function with a negative predictive value of 80%. In summary, the available evidence is currently insufficient to determine the role of this variant in disease. Therefore, it has been classified as a Variant of Uncertain Significance.

Department of Pathology and Laboratory Medicine, Sinai Health System
Classification: Uncertain significance for osteochondritis dissecans. Last evaluated: 2021-07-30. Review status: criteria provided, single submitter. Criteria: ACMG Guidelines, 2015. Collection method: research. Allele origin: germline.